The following is an entry in ClinVar:

ClinVar aggregate classification (germline): Uncertain significance. Review status: criteria provided, multiple submitters, no conflicts (2 of 4 stars). 2 submissions from 2 submitters: Uncertain significance (2). Last evaluated 2025-09-05.

Allele frequency attached by ClinVar (database versions not stated): ExAC 0.00001; gnomAD 0.00003; gnomAD exomes 0.00003; TOPMed 0.00003.

Submissions (2):

Labcorp Genetics (formerly Invitae), Labcorp
Classification: Uncertain significance. Last evaluated: 2025-09-05. Review status: criteria provided, single submitter. Criteria: Invitae Variant Classification Sherloc (09022015). Collection method: clinical testing. Allele origin: germline.
Comment: This sequence change replaces arginine, which is basic and polar, with tryptophan, which is neutral and slightly polar, at codon 83 of the YWHAE protein (p.Arg83Trp). This variant is present in population databases (rs761922075, gnomAD 0.01%). This variant has not been reported in the literature in individuals affected with YWHAE-related conditions. ClinVar contains an entry for this variant (Variation ID: 3191671). An algorithm developed to predict the effect of missense changes on protein structure and function (PolyPhen-2) suggests that this variant is likely to be tolerated. In summary, the available evidence is currently insufficient to determine the role of this variant in disease. Therefore, it has been classified as a Variant of Uncertain Significance.

Ambry Genetics
Classification: Uncertain significance. Last evaluated: 2024-02-27. Review status: criteria provided, single submitter. Criteria: Ambry Variant Classification Scheme 2023. Collection method: clinical testing. Allele origin: germline.

NM_006761.5(YWHAE):c.247C>T (p.Arg83Trp)

Gene: YWHAE (tyrosine 3-monooxygenase/tryptophan 5-monooxygenase activation protein epsilon; minus strand). Cytogenetic location: 17p13.3.
Variant type: single nucleotide variant.
Coding change: c.247C>T on transcript NM_006761.5 (MANE Select); coding-DNA position 247, C replaced by T.
Protein change: p.Arg83Trp; replaces arginine 83 with tryptophan.
Molecular consequence: missense variant. On other transcripts: non-coding transcript variant (1).
Genome position (GRCh38, 1-based): chr17:1,364,876, G>A on the plus strand (C>T on the coding strand, the complement: YWHAE is on the minus strand). VCF-style: chr17-1364876-G-A. GRCh37 (hg19) VCF-style: chr17-1268170-G-A.
Other names: short protein forms R83W.
Identifiers: ClinVar variation 3191671 (VCV003191671.2), dbSNP rs761922075, ClinGen allele CA8266258.
Genomic context (GRCh38, chr17:1,364,876, plus strand): 5'-CTCAAACTGTGGATAAGGGGGGATGATGGCACAACAATCTCACCATTTGCCGATATTCCC[G>A]AATCATTTTTAGCTTGTCTTCTCCTCCCTTGTTTTCTTCTTTCTGTTCAATGCTGCTGAT-3'
Protein context (NP_006752.1, residues 73-93): KGGEDKLKMI[Arg83Trp]EYRQMVETEL